The following is an entry in ClinVar:

NM_205836.3(FBXO38):c.2156A>G (p.Asn719Ser)

Gene: FBXO38 (F-box protein 38; plus strand). Cytogenetic location: 5q32.
Variant type: single nucleotide variant.
Coding change: c.2156A>G on transcript NM_205836.3 (MANE Select); coding-DNA position 2156, A replaced by G.
Protein change: p.Asn719Ser; replaces asparagine 719 with serine.
Molecular consequence: missense variant. On other transcripts: intron variant (1).
Genome position (GRCh38, 1-based): chr5:148,427,450, A>G. VCF-style: chr5-148427450-A-G. GRCh37 (hg19) VCF-style: chr5-147807013-A-G.
Other names: c.2156A>G, p.Asn719Ser (NM_030793.5); c.1918+1749A>G (NM_001271723.2); short protein forms N719S.
Identifiers: ClinVar variation 835391 (VCV000835391.11), dbSNP rs1027079492, ClinGen allele CA128949933.
Genomic context (GRCh38, chr5:148,427,450, plus strand): 5'-ATGTTTATCCCAGCTGCAGCAGCACCACCGCCAGCACAGTGGGAAACTCCAGCTCACACA[A>G]CACTGCTTCTCAAAGCCCCGACTTTGTAAGGACGGTGAACAGCGGCGGCTCTTCCGAGCC-3'
Protein context (NP_995308.1, residues 709-729): ASTVGNSSSH[Asn719Ser]TASQSPDFVR

ClinVar aggregate classification (germline): Uncertain significance (1 of 4 stars; one submission).

Conditions:
Distal hereditary motor neuropathy type 2. Identifiers: Orphanet 139525, MedGen C3711384, MeSH C580044, MONDO:0015352.

Allele frequency attached by ClinVar (database versions not stated): gnomAD exomes below 0.00001 and 0.00001; TOPMed below 0.00001; gnomAD 0.00001.

Submission:

Labcorp Genetics (formerly Invitae), Labcorp
Classification: Uncertain significance for Distal hereditary motor neuropathy type 2. Last evaluated: 2019-12-13. Review status: criteria provided, single submitter. Criteria: Invitae Variant Classification Sherloc (09022015). Collection method: clinical testing. Allele origin: germline.
Comment: In summary, the available evidence is currently insufficient to determine the role of this variant in disease. Therefore, it has been classified as a Variant of Uncertain Significance. Algorithms developed to predict the effect of missense changes on protein structure and function output the following: SIFT: "Tolerated"; PolyPhen-2: "Benign"; Align-GVGD: "Class C0". The serine amino acid residue is found in multiple mammalian species, suggesting that this missense change does not adversely affect protein function. These predictions have not been confirmed by published functional studies and their clinical significance is uncertain. This variant has not been reported in the literature in individuals with FBXO38-related conditions. This variant is not present in population databases (ExAC no frequency). This sequence change replaces asparagine with serine at codon 719 of the FBXO38 protein (p.Asn719Ser). The asparagine residue is weakly conserved and there is a small physicochemical difference between asparagine and serine.